The following is an entry in ClinVar:

NM_201253.3(CRB1):c.1733T>A (p.Val578Glu)

Gene: CRB1 (crumbs cell polarity complex component 1; plus strand). Cytogenetic location: 1q31.3.
Variant type: single nucleotide variant.
Coding change: c.1733T>A on transcript NM_201253.3 (MANE Select); coding-DNA position 1733, T replaced by A.
Protein change: p.Val578Glu; replaces valine 578 with glutamic acid.
Molecular consequence: missense variant. On other transcripts: non-coding transcript variant (1).
Genome position (GRCh38, 1-based): chr1:197,421,561, T>A. VCF-style: chr1-197421561-T-A. GRCh37 (hg19) VCF-style: chr1-197390691-T-A.
Other names: c.1397T>A, p.Val466Glu (NM_001193640.2); c.1526T>A, p.Val509Glu (NM_001257965.2); c.1733T>A, p.Val578Glu (NM_001257966.2); short protein forms V466E, V509E, V578E.
Identifiers: ClinVar variation 812298 (VCV000812298.7), dbSNP rs1266363944, ClinGen allele CA344032344.

ClinVar aggregate classification (germline): Conflicting classifications of pathogenicity. Review status: criteria provided, conflicting classifications (1 of 4 stars). 4 submissions from 4 submitters: Pathogenic (2); Uncertain significance (1). 1 of the submissions does not count toward it. Last evaluated 2024-01-16.

Conditions:
CRB1-related disorder. Also called: CRB1-related condition; CRB1-related disorders.
Retinitis pigmentosa 12 (RP12). Also called: RP WITH OR WITHOUT PPRPE; RP WITH OR WITHOUT PRESERVED PARAARTERIOLE RETINAL PIGMENT EPITHELIUM; RETINITIS PIGMENTOSA WITH OR WITHOUT PARAARTERIOLAR PRESERVATION OF RETINAL PIGMENT EPITHELIUM. Identifiers: Orphanet 791, MedGen C1838647, MONDO:0010818, OMIM 600105.
Leber congenital amaurosis 8 (LCA8). Identifiers: Orphanet 65, MedGen C3151202, MONDO:0013453, OMIM 613835.
Leber congenital amaurosis (LCA). Also called: Leber's amaurosis. Identifiers: Orphanet 65, MedGen C0339527, MeSH D057130, MONDO:0018998.

Allele frequency attached by ClinVar (database versions not stated): gnomAD exomes below 0.00001.
gnomAD v4.1: 1 of 1,614,248 alleles (0.000062%); highest among the groups gnomAD compares: Middle Eastern, 0.016%; no homozygotes.

Submissions (4):

Labcorp Genetics (formerly Invitae), Labcorp
Classification: Pathogenic for Leber congenital amaurosis 8; Retinitis pigmentosa 12. Last evaluated: 2024-01-16. Review status: criteria provided, single submitter. Criteria: Invitae Variant Classification Sherloc (09022015). Collection method: clinical testing. Allele origin: germline.
Comment: This sequence change replaces valine, which is neutral and non-polar, with glutamic acid, which is acidic and polar, at codon 578 of the CRB1 protein (p.Val578Glu). This variant is present in population databases (no rsID available, gnomAD 0.0009%). This missense change has been observed in individuals with CRB1-related conditions (PMID: 15459956, 23449718, 33921607). ClinVar contains an entry for this variant (Variation ID: 812298). Advanced modeling of protein sequence and biophysical properties (such as structural, functional, and spatial information, amino acid conservation, physicochemical variation, residue mobility, and thermodynamic stability) performed at Invitae indicates that this missense variant is expected to disrupt CRB1 protein function with a positive predictive value of 80%. For these reasons, this variant has been classified as Pathogenic.

Blueprint Genetics
Classification: Pathogenic for CRB1-related disorders. Last evaluated: 2021-11-09. Review status: criteria provided, single submitter. Criteria: ACMG Guidelines, 2015. Collection method: clinical testing. Allele origin: germline. Affected: yes. Observed: 2 variant alleles.

Ocular Genomics Institute, Massachusetts Eye and Ear
Classification: Uncertain significance for Retinitis pigmentosa 12. Last evaluated: 2021-04-08. Review status: criteria provided, single submitter. Criteria: ACMG Guidelines, 2015. Collection method: research. Allele origin: germline. Affected: yes.
Comment: Through a review of available evidence we were able to apply the following criteria: PM3, PM2. Based on this evidence we have classified this variant as Variant of Uncertain Significance.

Sharon lab, Hadassah-Hebrew University Medical Center
Classification: Likely pathogenic for leber congenital amaurosis. Last evaluated: 2019-06-23. Review status: no assertion criteria provided. Collection method: research. Allele origin: inherited. Affected: yes. Not counted in ClinVar's aggregate classification.

Literature cited by the submitters: PubMed 15459956 (cited by Labcorp Genetics (formerly Invitae), Labcorp); PubMed 23449718 (cited by Labcorp Genetics (formerly Invitae), Labcorp); PubMed 33921607 (cited by Labcorp Genetics (formerly Invitae), Labcorp).